The following is an entry in ClinVar:

NM_001089.3(ABCA3):c.74C>T (p.Thr25Met)

Gene: ABCA3 (ATP binding cassette subfamily A member 3; minus strand). Cytogenetic location: 16p13.3.
Variant type: single nucleotide variant.
Coding change: c.74C>T on transcript NM_001089.3 (MANE Select); coding-DNA position 74, C replaced by T.
Protein change: p.Thr25Met; replaces threonine 25 with methionine.
Molecular consequence: missense variant.
Genome position (GRCh38, 1-based): chr16:2,326,255, G>A on the plus strand (C>T on the coding strand, the complement: ABCA3 is on the minus strand). VCF-style: chr16-2326255-G-A. GRCh37 (hg19) VCF-style: chr16-2376256-G-A.
Other names: short protein forms T25M.
Identifiers: ClinVar variation 1759207 (VCV001759207.2), dbSNP rs769313907, ClinGen allele CA7841791.

ClinVar aggregate classification (germline): Uncertain significance (1 of 4 stars; one submission).

Conditions:
Hereditary pulmonary alveolar proteinosis. Also called: Pulmonary surfactant metabolism dysfunction. Identifiers: Orphanet 264675, MedGen C3711368, MONDO:0012580.

Allele frequency attached by ClinVar (database versions not stated): ExAC 0.00001; gnomAD exomes 0.00007.
gnomAD v4.1: 103 of 1,613,342 alleles (0.0064%); highest among the groups gnomAD compares: Non-Finnish European, 0.0082%; no homozygotes.

Submission:

Ambry Genetics
Classification: Uncertain significance for Hereditary pulmonary alveolar proteinosis. Last evaluated: 2021-08-16. Review status: criteria provided, single submitter. Criteria: Ambry Variant Classification Scheme 2023. Collection method: clinical testing. Allele origin: germline.
Comment: The p.T25M variant (also known as c.74C>T), located in coding exon 2 of the ABCA3 gene, results from a C to T substitution at nucleotide position 74. The threonine at codon 25 is replaced by methionine, an amino acid with similar properties. This amino acid position is conserved. In addition, the in silico prediction for this alteration is inconclusive. Since supporting evidence is limited at this time, the clinical significance of this alteration remains unclear.